The following is an entry in ClinVar:

ClinVar aggregate classification (germline): Uncertain significance (1 of 4 stars; one submission).

Allele frequency attached by ClinVar (database versions not stated): gnomAD 0.00001; TOPMed 0.00002; gnomAD exomes 0.00004; ExAC 0.00006.
gnomAD v4.1: 31 of 1,613,954 alleles (0.0019%); highest among the groups gnomAD compares: Non-Finnish European, 0.0023%; no homozygotes.

Submission:

Labcorp Genetics (formerly Invitae), Labcorp
Classification: Uncertain significance. Last evaluated: 2025-03-17. Review status: criteria provided, single submitter. Criteria: Invitae Variant Classification Sherloc (09022015). Collection method: clinical testing. Allele origin: germline.
Comment: This sequence change replaces arginine, which is basic and polar, with histidine, which is basic and polar, at codon 111 of the GUCA1B protein (p.Arg111His). This variant is present in population databases (rs750812813, gnomAD 0.007%). This variant has not been reported in the literature in individuals affected with GUCA1B-related conditions. ClinVar contains an entry for this variant (Variation ID: 1024857). An algorithm developed to predict the effect of missense changes on protein structure and function outputs the following: PolyPhen-2: "Benign". The histidine amino acid residue is found in multiple mammalian species, which suggests that this missense change does not adversely affect protein function. In summary, the available evidence is currently insufficient to determine the role of this variant in disease. Therefore, it has been classified as a Variant of Uncertain Significance.

NM_002098.6(GUCA1B):c.332G>A (p.Arg111His)

Gene: GUCA1B (guanylate cyclase activator 1B; minus strand). Cytogenetic location: 6p21.1.
Variant type: single nucleotide variant.
Coding change: c.332G>A on transcript NM_002098.6 (MANE Select); coding-DNA position 332, G replaced by A.
Protein change: p.Arg111His; replaces arginine 111 with histidine.
Molecular consequence: missense variant.
Genome position (GRCh38, 1-based): chr6:42,188,607, C>T on the plus strand (G>A on the coding strand, the complement: GUCA1B is on the minus strand). VCF-style: chr6-42188607-C-T. GRCh37 (hg19) VCF-style: chr6-42156345-C-T.
Other names: short protein forms R111H.
Identifiers: ClinVar variation 1024857 (VCV001024857.6), dbSNP rs750812813, ClinGen allele CA3805595.